The following is an entry in ClinVar:

NM_170601.5(SIAE):c.8C>T (p.Ala3Val)

Gene: SIAE (sialic acid acetylesterase; minus strand). Cytogenetic location: 11q24.2.
Variant type: single nucleotide variant.
Coding change: c.8C>T on transcript NM_170601.5 (MANE Select); coding-DNA position 8, C replaced by T.
Protein change: p.Ala3Val; replaces alanine 3 with valine.
Molecular consequence: missense variant. On other transcripts: intron variant (1).
Genome position (GRCh38, 1-based): chr11:124,673,701, G>A on the plus strand (C>T on the coding strand, the complement: SIAE is on the minus strand). VCF-style: chr11-124673701-G-A. GRCh37 (hg19) VCF-style: chr11-124543597-G-A.
Other names: c.-39+1557C>T (NM_001199922.2); short protein forms A3V.
Identifiers: ClinVar variation 4773956 (VCV004773956.1).

ClinVar aggregate classification (germline): Uncertain significance (1 of 4 stars; one submission).

Submission:

Labcorp Genetics (formerly Invitae), Labcorp
Classification: Uncertain significance. Last evaluated: 2026-02-01. Review status: criteria provided, single submitter. Criteria: Invitae Variant Classification Sherloc (09022015). Collection method: clinical testing. Allele origin: germline.
Comment: This sequence change replaces alanine, which is neutral and non-polar, with valine, which is neutral and non-polar, at codon 3 of the SIAE protein (p.Ala3Val). This variant is present in population databases (no rsID available, gnomAD 0.007%). This variant has not been reported in the literature in individuals affected with SIAE-related conditions. An algorithm developed to predict the effect of missense changes on protein structure and function outputs the following: PolyPhen-2: "Benign". The valine amino acid residue is found in multiple mammalian species, which suggests that this missense change does not adversely affect protein function. In summary, the available evidence is currently insufficient to determine the role of this variant in disease. Therefore, it has been classified as a Variant of Uncertain Significance.